The following is an entry in ClinVar:

NM_004722.4(AP4M1):c.133dup (p.Ser45fs)

Gene: AP4M1 (adaptor related protein complex 4 subunit mu 1; plus strand). Cytogenetic location: 7q22.1.
Variant type: Duplication.
Coding change: c.133dup on transcript NM_004722.4 (MANE Select); coding-DNA position 133, one base duplicated (T; older notation c.133dupT).
Protein change: p.Ser45fs; shifts the reading frame from serine 45.
Molecular consequence: frameshift variant. On other transcripts: 5 prime UTR variant (2), non-coding transcript variant (1).
Genome position (GRCh38, 1-based): chr7:100,101,954, T duplicated. VCF-style (leftmost placement, unchanged base first): chr7-100101953-G-GT. GRCh37 (hg19) VCF-style: chr7-99699576-G-GT.
Other names: c.133dup, p.Ser45fs (NM_001438825.1, NM_001438826.1, NM_001438827.1 and 5 more transcripts); c.-400dup (NM_001438831.1); c.-327dup (NM_001438832.1); short protein forms S45fs.
Identifiers: ClinVar variation 5007108 (VCV005007108.2).
Genomic context (GRCh38, chr7:100,101,953, plus strand): 5'-TGGCGGCCGGGATGTGGCCGAGCTCTTCTACCGGAAGCTGACGGGACTGCCAGGAGACGA[G>GT]TCCCCGGTTGTCATGGTAACCAGTGGCGGGAGGCGGGTGAGGAGCGGGGTCCCGTCGGGC-3'

ClinVar aggregate classification (germline): Likely pathogenic (1 of 4 stars; one submission).

Conditions:
Hereditary spastic paraplegia 50 (SPG50). Also called: Spastic paraplegia 50, autosomal recessive. Identifiers: Orphanet 280763, MedGen C2752008, MONDO:0013048, OMIM 612936.

Submission:

Juno Genomics, Hangzhou Juno Genomics, Inc
Classification: Likely pathogenic for Hereditary spastic paraplegia 50. Review status: criteria provided, single submitter. Criteria: ACMG Guidelines, 2015. Collection method: clinical testing. Allele origin: germline.
Comment: Null variant in a gene where loss of function (LOF) is a known mechanism of disease.;Absent from controls (or at extremely low frequency if recessive) in Genome Aggregation Database.